The following is an entry in ClinVar:

ClinVar aggregate classification (germline): Pathogenic (1 of 4 stars; one submission).

Conditions:
Carnitine palmitoyltransferase II deficiency. Also called: Carnitine Palmitoyltransferase 2 Deficiency. Identifiers: Orphanet 157, MedGen C0342790, MONDO:0015515.

Submission:

Labcorp Genetics (formerly Invitae), Labcorp
Classification: Pathogenic for Carnitine palmitoyltransferase II deficiency. Last evaluated: 2023-06-04. Review status: criteria provided, single submitter. Criteria: Invitae Variant Classification Sherloc (09022015). Collection method: clinical testing. Allele origin: unknown.
Comment: For these reasons, this variant has been classified as Pathogenic. This variant disrupts a region of the CPT2 protein in which other variant(s) (p.Tyr120Cys) have been determined to be pathogenic (PMID: 10862092, 16996287, 18550408; Invitae). This suggests that this is a clinically significant region of the protein, and that variants that disrupt it are likely to be disease-causing. This variant has not been reported in the literature in individuals affected with CPT2-related conditions. This variant is a gross deletion of the genomic region encompassing exon(s) 4 of the CPT2 gene. This variant would be expected to be in-frame, preserving the integrity of the reading frame.

Literature cited by the submitters: PubMed 10862092; PubMed 16996287; PubMed 18550408.

NC_000001.10:g.(?_53675667)_(53677011_?)del

Gene: CPT2 (carnitine palmitoyltransferase 2; plus strand). Cytogenetic location: 1p32.3.
Variant type: Deletion.
Identifiers: ClinVar variation 3247688 (VCV003247688.1).